The following is an entry in ClinVar:

NM_005787.6(ALG3):c.890_891del (p.His297fs)

Gene: ALG3 (ALG3 alpha-1,3- mannosyltransferase; minus strand). Cytogenetic location: 3q27.1.
Variant type: Deletion.
Coding change: c.890_891del on transcript NM_005787.6 (MANE Select); coding-DNA positions 890 to 891, 2 bases deleted (AC; older notation c.890_891delAC).
Protein change: p.His297fs; shifts the reading frame from histidine 297.
Molecular consequence: frameshift variant. On other transcripts: non-coding transcript variant (2).
Genome position (GRCh38, 1-based): chr3:184,243,832-184,243,833, GT deleted on the plus strand (AC on the coding strand, the reverse complement: ALG3 is on the minus strand); deleting any 2 consecutive bases within chr3:184,243,832-184,243,834 gives the same sequence; the c. name uses the placement nearest the transcript's 3' end. VCF-style (leftmost placement, unchanged base first): chr3-184243831-GGT-G. GRCh37 (hg19) VCF-style: chr3-183961619-GGT-G.
Other names: c.746_747del, p.His249fs (NM_001006941.2); short protein forms H249fs, H297fs.
Identifiers: ClinVar variation 3609293 (VCV003609293.2).
Genomic context (GRCh38, chr3:184,243,831, plus strand): 5'-GCACTACTGCCTTTTCTCACCTGTGCCACCTGCAGAGGGCAAACAGCAGGAGCAGGGTGA[GGT>G]GGGCAGTCAACAGGGCCAGGTGGAAGGCTCGATGCAGGAAGAGCGCCTCTGGGAGGAAGC-3'

ClinVar aggregate classification (germline): Pathogenic (1 of 4 stars; one submission).

Conditions:
ALG3-congenital disorder of glycosylation. Also called: CONGENITAL DISORDER OF GLYCOSYLATION, TYPE Id; CDG Id; ALG3-CDG; CARBOHYDRATE-DEFICIENT GLYCOPROTEIN SYNDROME, TYPE IV; CDGS, TYPE IV. Identifiers: Orphanet 79321, MedGen C1832736, MONDO:0010998, OMIM 601110.

Submission:

Labcorp Genetics (formerly Invitae), Labcorp
Classification: Pathogenic for ALG3-congenital disorder of glycosylation. Last evaluated: 2024-02-29. Review status: criteria provided, single submitter. Criteria: Invitae Variant Classification Sherloc (09022015). Collection method: clinical testing. Allele origin: germline.
Comment: This sequence change results in a frameshift in the ALG3 gene (p.His297Profs*198). While this is not anticipated to result in nonsense mediated decay, it is expected to disrupt the last 142 amino acid(s) of the ALG3 protein and extend the protein by 55 additional amino acid residues. This variant is present in population databases (rs765684289, gnomAD 0.007%). This variant has not been reported in the literature in individuals affected with ALG3-related conditions. This variant disrupts a region of the ALG3 protein in which other variant(s) (p.Trp421*) have been determined to be pathogenic (PMID: 31067009). This suggests that this is a clinically significant region of the protein, and that variants that disrupt it are likely to be disease-causing. For these reasons, this variant has been classified as Pathogenic.

Literature cited by the submitters: PubMed 31067009.